The following is an entry in ClinVar:

ClinVar aggregate classification (germline): Pathogenic. Review status: criteria provided, multiple submitters, no conflicts (2 of 4 stars). 15 submissions from 14 submitters: Pathogenic (11). 4 of the submissions do not count toward it. Last evaluated 2026-01-25.

Conditions:
Cardiovascular phenotype. Identifiers: MedGen CN230736.
Walker-Warburg congenital muscular dystrophy. Also called: Muscular dystrophy-dystroglycanopathy, type A; Walker-Warburg syndrome. Identifiers: Orphanet 899, MedGen C0265221, MONDO:0000171.
Muscular dystrophy-dystroglycanopathy (congenital with brain and eye anomalies), type A, 4 (MDDGA4). Also called: Walker-Warburg Syndrome, Fktn-Related; Congenital muscular dystrophy-dystroglycanopathy with brain and eye anomalies, type A4; WALKER-WARBURG SYNDROME OR MUSCLE-EYE-BRAIN DISEASE, FKTN-RELATED; Muscular dystrophy, congenital progressive, with mental retardation; Muscular dystrophy, congenital, with central nervous system involvement; Cerebromuscular dystrophy, Fukuyama type. Identifiers: Orphanet 272, Orphanet 588, Orphanet 899, MedGen C0410174, MONDO:0009678, OMIM 253800.
Muscular dystrophy-dystroglycanopathy (congenital without impaired intellectual development), type B, 4. Also called: MUSCULAR DYSTROPHY, CONGENITAL, FKTN-RELATED; Muscular dystrophy-dystroglycanopathy (congenital without intellectual disability), type B4. Identifiers: MedGen C2751052, MONDO:0013156, OMIM 613152.
Dilated cardiomyopathy 1X (CMD1X). Also called: FKTN-Related Dilated Cardiomyopathy; CARDIOMYOPATHY, DILATED, WITH MILD OR NO PROXIMAL MUSCLE WEAKNESS. Identifiers: Orphanet 154, MedGen C1969024, MONDO:0012704, OMIM 611615.
Autosomal recessive limb-girdle muscular dystrophy type 2M. Also called: MUSCULAR DYSTROPHY-DYSTROGLYCANOPATHY (LIMB-GIRDLE), TYPE C, 4; MUSCULAR DYSTROPHY, LIMB-GIRDLE, TYPE 2M. Identifiers: Orphanet 206554, MedGen C1969040, MONDO:0012699, OMIM 611588.

Allele frequency attached by ClinVar (database versions not stated): TOPMed below 0.00001; ExAC 0.00001; gnomAD exomes 0.00001 and 0.00002.

Submissions (15):

Labcorp Genetics (formerly Invitae), Labcorp
Classification: Pathogenic for Walker-Warburg congenital muscular dystrophy. Last evaluated: 2026-01-25. Review status: criteria provided, single submitter. Criteria: Invitae Variant Classification Sherloc (09022015). Collection method: clinical testing. Allele origin: germline.
Comment: This sequence change creates a premature translational stop signal (p.Arg307*) in the FKTN gene. It is expected to result in an absent or disrupted protein product. Loss-of-function variants in FKTN are known to be pathogenic (PMID: 17044012, 17878207, 18752264). This variant is present in population databases (rs267606814, gnomAD 0.01%). This premature translational stop signal has been observed in individuals with Fukuyama-type congenital muscular dystrophy and/or Walker-Warburg syndrome (PMID: 17597323, 17878207). ClinVar contains an entry for this variant (Variation ID: 3216). Algorithms developed to predict the effect of sequence changes on RNA splicing suggest that this variant may disrupt the consensus splice site. For these reasons, this variant has been classified as Pathogenic.

GeneDx
Classification: Pathogenic. Last evaluated: 2025-06-10. Review status: criteria provided, single submitter. Criteria: GeneDx Variant Classification Process June 2021. Collection method: clinical testing. Allele origin: germline. Affected: yes.
Comment: Nonsense variant predicted to result in protein truncation or nonsense mediated decay in a gene for which loss of function is a known mechanism of disease; Not observed at significant frequency in large population cohorts (gnomAD); This variant is associated with the following publications: (PMID: 25525159, 20961758, 34426522, 35843586, 30060766, 32528171, 33051673, 17878207, 17597323)

Dasa
Classification: Pathogenic. Last evaluated: 2025-05-15. Review status: criteria provided, single submitter. Criteria: DASA Assertion Criteria. Collection method: clinical testing. Allele origin: germline.
Comment: NM_001079802.2(FKTN):c.919C>T (p.Arg307*) introduces a premature termination codon predicted to result in loss of normal protein function. Loss-of-function is an established mechanism of disease for this gene. This variant has been observed in affected individuals with related phenotype in a genotype context consistent with recessive disease (PMID: 17597323; PMID: 17878207). This variant has been recurrently observed in individuals with related phenotype (PMID: 17597323; PMID: 17878207). The variant is present at low frequency in population datasets. Based on the available data, this variant is classified as pathogenic.

Natera, Inc.
Classification: Pathogenic for Walker-Warburg congenital muscular dystrophy. Last evaluated: 2024-12-23. Review status: criteria provided, single submitter. Criteria: Natera Variant Classification Schema (03/2026). Collection method: clinical testing. Allele origin: germline.
Comment: The c.919C>T variant in FKTN is a nonsense variant predicted to introduce a stop codon at amino acid 307. This variant is expected to result in nonsense mediated decay, truncation, or a dysfunctional protein product. This variant is rare in the general population with a frequency below the threshold expected for the associated phenotype(s). This variant has been observed in one or more individuals affected with the associated recessive disease, as either homozygous or compound heterozygous with a second variant (PMID: 20961758, 17878207). Given the available evidence, this variant is classified as Pathogenic.

Fulgent Genetics
Classification: Pathogenic for Muscular dystrophy-dystroglycanopathy (congenital with brain and eye anomalies), type A, 4; Autosomal recessive limb-girdle muscular dystrophy type 2M; Dilated cardiomyopathy 1X; Muscular dystrophy-dystroglycanopathy (congenital without impaired intellectual development), type B, 4. Last evaluated: 2024-04-12. Review status: criteria provided, single submitter. Criteria: ACMG Guidelines, 2015. Collection method: clinical testing. Allele origin: germline.

Baylor Genetics
Classification: Pathogenic for Dilated cardiomyopathy 1X. Last evaluated: 2024-03-30. Review status: criteria provided, single submitter. Criteria: ACMG Guidelines, 2015. Collection method: clinical testing. Allele origin: unknown.

Victorian Clinical Genetics Services, Murdoch Childrens Research Institute
Classification: Pathogenic for Muscular dystrophy-dystroglycanopathy (congenital with brain and eye anomalies), type A, 4. Last evaluated: 2023-12-21. Review status: criteria provided, single submitter. Criteria: ACMG Guidelines, 2015. Collection method: clinical testing. Allele origin: germline. Inheritance: Autosomal recessive inheritance. Affected: yes.
Comment: Based on the classification scheme VCGS_Germline_v1.3.4, this variant is classified as Pathogenic. Following criteria are met: 0102 - Loss of function is a known mechanism of disease in this gene and is associated with muscular dystrophy-dystroglycanopathy (congenital with brain and eye anomalies), type A, 4 (MIM# 253800), muscular dystrophy-dystroglycanopathy (congenital without impaired intellectual development), type B, 4 (MIM# 613152), and muscular dystrophy-dystroglycanopathy (limb-girdle), type C, 4 (MIM# 611588). The association to cardiomyopathy, dilated, 1X (MIM# 611615) is not established (PanelApp). (I) 0106 - This gene is associated with autosomal recessive disease. (I) 0201 - Variant is predicted to cause nonsense-mediated decay (NMD) and loss of protein (premature termination codon is located at least 54 nucleotides upstream of the final exon-exon junction). (SP) 0251 - This variant is heterozygous. (I) 0304 - Variant is present in gnomAD (v2) <0.01 for a recessive condition (5 heterozygotes, 0 homozygotes). (SP) 0701 - Other NMD-predicted variants comparable to the one identified in this case have very strong previous evidence for pathogenicity (DECIPHER). (SP) 0801 - This variant has strong previous evidence of pathogenicity in unrelated individuals. This variant has been reported many times as pathogenic, and observed in individuals with Walker-Warburg Syndrome, Fukuyama-type congenital muscular dystrophy, and limb-girdle muscular dystrophy (ClinVar). (I) Legend: (SP) - Supporting pathogenic, (I) - Information, (SB) - Supporting benign

Ambry Genetics
Classification: Pathogenic for Cardiovascular phenotype. Last evaluated: 2020-09-09. Review status: criteria provided, single submitter. Criteria: Ambry Variant Classification Scheme 2023. Collection method: clinical testing. Allele origin: germline.
Comment: The p.R307* pathogenic mutation (also known as c.919C>T), located in coding exon 7 of the FKTN gene, results from a C to T substitution at nucleotide position 919. This changes the amino acid from an arginine to a stop codon within coding exon 7. This mutation has also been detected in a compound heterozygous Fukuyama-type congenital muscular dystrophy case and a compound heterozygous limb girdle muscular dystrophy case with confirmed &alpha;-DG deficiency (Yoshioka M et al. Brain Dev., 2008 Jan;30:59-67; Johnson K et al. Skelet Muscle, 2018 07;8:23). In addition to the clinical data presented in the literature, this alteration is expected to result in loss of function by premature protein truncation or nonsense-mediated mRNA decay. As such, this alteration is interpreted as a disease-causing mutation.

Women's Health and Genetics/Laboratory Corporation of America, LabCorp
Classification: Pathogenic for Fukuyama congenital muscular dystrophy. Last evaluated: 2019-03-18. Review status: criteria provided, single submitter. Criteria: LabCorp Variant Classification Summary - May 2015. Collection method: clinical testing. Allele origin: germline.
Comment: Variant summary: FKTN c.919C>T (p.Arg307X) results in a premature termination codon, predicted to cause a truncation of the encoded protein or absence of the protein due to nonsense mediated decay, which are commonly known mechanisms for disease. Truncations downstream of this position have been classified as likely pathogenic/pathogenic by our laboratory (eg. c.1106delT (p.Phe369fsX37) and c.1167dupA (p.Phe390fsX14)). The variant allele was found at a frequency of 2e-05 in 244338 control chromosomes (gnomAD). c.919C>T has been reported in the literature in individuals affected with Walker-Warburg Syndrome, Fukuyama-type congenital muscular dystrophy, and unexplained limb-girdle muscle weakness (Godfrey_2007, Yoshioka_2008, Johnson_2018). These data indicate that the variant is likely to be associated with disease. To our knowledge, no experimental evidence demonstrating an impact on protein function has been reported. A ClinVar submission from a clinical diagnostic laboratory (evaluation after 2014) cites the variant as pathogenic. Based on the evidence outlined above, the variant was classified as pathogenic.

Baylor Genetics
Classification: Pathogenic for Muscular dystrophy-dystroglycanopathy (congenital with brain and eye anomalies), type A, 4. Review status: criteria provided, single submitter. Criteria: ACMG Guidelines, 2015. Collection method: clinical testing. Allele origin: germline.

Juno Genomics, Hangzhou Juno Genomics, Inc
Classification: Pathogenic for Muscular dystrophy-dystroglycanopathy (congenital without impaired intellectual development), type B, 4. Review status: criteria provided, single submitter. Criteria: ACMG Guidelines, 2015. Collection method: clinical testing. Allele origin: germline. Affected: yes.
Comment: Absent from controls (or at extremely low frequency if recessive) in Genome Aggregation Database, Exome Sequencing Project, 1000 Genomes Project, or Exome Aggregation Consortium.;Null variant in a gene where loss of function (LOF) is a known mechanism of disease.;For recessive disorders, detected in trans with a pathogenic variant.

Counsyl
Classification: Pathogenic for Muscular dystrophy-dystroglycanopathy (congenital with brain and eye anomalies), type A, 4. Last evaluated: 2016-08-19. Review status: no assertion criteria provided. Collection method: clinical testing. Allele origin: unknown. Not counted in ClinVar's aggregate classification.

OMIM
Classification: Pathogenic for MUSCULAR DYSTROPHY-DYSTROGLYCANOPATHY (CONGENITAL WITH BRAIN AND EYE ANOMALIES), TYPE A, 4. Last evaluated: 2007-10-01. Review status: no assertion criteria provided. Collection method: literature only. Allele origin: germline. Not counted in ClinVar's aggregate classification.

Genome Diagnostics Laboratory, Amsterdam University Medical Center
Classification: Pathogenic. Review status: no assertion criteria provided. Collection method: clinical testing. Allele origin: germline. Affected: yes. Study: VKGL Data-share Consensus. Not counted in ClinVar's aggregate classification.

Genome Diagnostics Laboratory, University Medical Center Utrecht
Classification: Pathogenic. Review status: no assertion criteria provided. Collection method: clinical testing. Allele origin: germline. Affected: yes. Study: VKGL Data-share Consensus. Not counted in ClinVar's aggregate classification.

Literature cited by the submitters: PubMed 17044012 (cited by Labcorp Genetics (formerly Invitae), Labcorp); PubMed 17878207 (cited by 7 submitters); PubMed 18752264 (cited by Labcorp Genetics (formerly Invitae), Labcorp); PubMed 17597323 (cited by 5 submitters); PubMed 20961758 (cited by Natera, Inc.); PubMed 30060766 (cited by Ambry Genetics).

NM_001079802.2(FKTN):c.919C>T (p.Arg307Ter)

Gene: FKTN (fukutin; plus strand). Cytogenetic location: 9q31.2.
Variant type: single nucleotide variant.
Coding change: c.919C>T on transcript NM_001079802.2 (MANE Select); coding-DNA position 919, C replaced by T.
Protein change: p.Arg307Ter; replaces arginine 307 with a stop codon.
Molecular consequence: nonsense. On other transcripts: non-coding transcript variant (1).
Genome position (GRCh38, 1-based): chr9:105,617,967, C>T. VCF-style: chr9-105617967-C-T. GRCh37 (hg19) VCF-style: chr9-108380248-C-T.
Other names: c.919C>T, p.Arg307Ter (NM_001198963.2, NM_001351496.2, NM_001351498.2 and 1 more transcripts); c.850C>T, p.Arg284Ter (NM_001351497.2); c.523C>T, p.Arg175Ter (NM_001351499.2, NM_001351500.2, NM_001351501.2 and 1 more transcripts); short protein forms R307*, R284*, R175*.
Identifiers: ClinVar variation 3216 (VCV000003216.47), dbSNP rs267606814, ClinGen allele CA116088.